The following is an entry in ClinVar:

NM_001130987.2(DYSF):c.4188del (p.Asn1397fs)

Gene: DYSF (dysferlin; plus strand). Cytogenetic location: 2p13.2.
Variant type: Deletion.
Coding change: c.4188del on transcript NM_001130987.2 (MANE Select); coding-DNA position 4188, one base deleted (C; older notation c.4188delC).
Protein change: p.Asn1397fs; shifts the reading frame from asparagine 1397.
Molecular consequence: frameshift variant.
Genome position (GRCh38, 1-based): chr2:71,611,593, C deleted; the last of 4 consecutive C bases (chr2:71,611,590-71,611,593); deleting any one gives the same sequence. VCF-style (leftmost placement, unchanged base first): chr2-71611589-AC-A. GRCh37 (hg19) VCF-style: chr2-71838719-AC-A.
Other names: c.4188del, p.Asn1397fs (NM_001130985.2); c.4095del, p.Asn1366fs (NM_001130986.2, NM_001130984.2); c.4134del, p.Asn1379fs (NM_001130978.2, NM_003494.4); c.4227del, p.Asn1410fs (NM_001130979.2); c.4185del, p.Asn1396fs (NM_001130980.2, NM_001130981.2); c.4230del, p.Asn1411fs (NM_001130982.2); c.4137del, p.Asn1380fs (NM_001130983.2, NM_001130455.2); c.4092del, p.Asn1365fs (NM_001130976.2, NM_001130977.2); short protein forms N1365fs, N1366fs, N1379fs, N1410fs, N1396fs, N1397fs, N1411fs, N1380fs.
Identifiers: ClinVar variation 2748161 (VCV002748161.3), dbSNP rs2546130708, ClinGen allele CA2697548251.

ClinVar aggregate classification (germline): Pathogenic (1 of 4 stars; one submission).

Conditions:
Neuromuscular disease caused by qualitative or quantitative defects of dysferlin. Also called: Dysferlinopathy; Qualitative or quantitative defects of dysferlin. Identifiers: Orphanet 207073, MedGen C2931687, MONDO:0016145.

Submission:

Labcorp Genetics (formerly Invitae), Labcorp
Classification: Pathogenic for Neuromuscular disease caused by qualitative or quantitative defects of dysferlin. Last evaluated: 2023-07-29. Review status: criteria provided, single submitter. Criteria: Invitae Variant Classification Sherloc (09022015). Collection method: clinical testing. Allele origin: germline.
Comment: For these reasons, this variant has been classified as Pathogenic. This variant has not been reported in the literature in individuals affected with DYSF-related conditions. This variant is not present in population databases (gnomAD no frequency). This sequence change creates a premature translational stop signal (p.Asn1379Thrfs*11) in the DYSF gene. It is expected to result in an absent or disrupted protein product. Loss-of-function variants in DYSF are known to be pathogenic (PMID: 17698709, 20301480).

Literature cited by the submitters: PubMed 17698709; PubMed 20301480.